The following is an entry in ClinVar:

ClinVar aggregate classification (germline): Uncertain significance (1 of 4 stars; one submission).

Conditions:
Hereditary spastic paraplegia 54. Also called: Spastic paraplegia 54, autosomal recessive. Identifiers: Orphanet 320380, MedGen C3539495, MONDO:0014018, OMIM 615033.

Allele frequency attached by ClinVar (database versions not stated): gnomAD 0.00001; gnomAD exomes 0.00001; TOPMed 0.00001; ExAC 0.00002; 1000 Genomes Project 0.00040; 1000 Genomes Project 30x 0.00062.
gnomAD v4.1: 10 of 1,612,716 alleles (0.00062%); highest among the groups gnomAD compares: African/African-American, 0.004%; no homozygotes.

Submission:

Labcorp Genetics (formerly Invitae), Labcorp
Classification: Uncertain significance for Hereditary spastic paraplegia 54. Last evaluated: 2022-07-14. Review status: criteria provided, single submitter. Criteria: Invitae Variant Classification Sherloc (09022015). Collection method: clinical testing. Allele origin: germline.
Comment: This variant is present in population databases (rs144993452, gnomAD 0.009%). This sequence change replaces asparagine, which is neutral and polar, with serine, which is neutral and polar, at codon 123 of the DDHD2 protein (p.Asn123Ser). This variant has not been reported in the literature in individuals affected with DDHD2-related conditions. Algorithms developed to predict the effect of missense changes on protein structure and function (SIFT, PolyPhen-2, Align-GVGD) all suggest that this variant is likely to be tolerated. Algorithms developed to predict the effect of sequence changes on RNA splicing suggest that this variant may disrupt the consensus splice site. In summary, the available evidence is currently insufficient to determine the role of this variant in disease. Therefore, it has been classified as a Variant of Uncertain Significance.

NM_015214.3(DDHD2):c.368A>G (p.Asn123Ser)

Gene: DDHD2 (DDHD domain containing 2; plus strand). Cytogenetic location: 8p11.23.
Variant type: single nucleotide variant.
Coding change: c.368A>G on transcript NM_015214.3 (MANE Select); coding-DNA position 368, A replaced by G.
Protein change: p.Asn123Ser; replaces asparagine 123 with serine.
Molecular consequence: missense variant. On other transcripts: non-coding transcript variant (2).
Genome position (GRCh38, 1-based): chr8:38,234,541, A>G. VCF-style: chr8-38234541-A-G. GRCh37 (hg19) VCF-style: chr8-38092059-A-G.
Other names: c.368A>G, p.Asn123Ser (NM_001164232.2, NM_001164234.2, NM_001362911.2 and 3 more transcripts); short protein forms N123S.
Identifiers: ClinVar variation 1975747 (VCV001975747.4), dbSNP rs144993452, ClinGen allele CA4715948.
Genomic context (GRCh38, chr8:38,234,541, plus strand): 5'-GGGATGAACTGGCATCGGAAGTGAGACGATGTACGTGGTTTTACAAGGGGGACAAAGACA[A>G]TAAGTATGTTCCCTACTCGGAGAGCTTCAGCCAAGTTTTAGAGGTATTCTTTTGACTCTT-3'
Protein context (NP_056029.2, residues 113-133): CTWFYKGDKD[Asn123Ser]KYVPYSESFS